The following is an entry in ClinVar:

NM_002653.5(PITX1):c.793G>T (p.Gly265Cys)

Gene: PITX1 (paired like homeodomain 1; minus strand). Cytogenetic location: 5q31.1.
Variant type: single nucleotide variant.
Coding change: c.793G>T on transcript NM_002653.5 (MANE Select); coding-DNA position 793, G replaced by T.
Protein change: p.Gly265Cys; replaces glycine 265 with cysteine.
Molecular consequence: missense variant.
Genome position (GRCh38, 1-based): chr5:135,028,931, C>A on the plus strand (G>T on the coding strand, the complement: PITX1 is on the minus strand). VCF-style: chr5-135028931-C-A. GRCh37 (hg19) VCF-style: chr5-134364621-C-A.
Other names: short protein forms G265C.
Identifiers: ClinVar variation 932171 (VCV000932171.2), dbSNP rs141612135, ClinGen allele CA361027498.

ClinVar aggregate classification (germline): Conflicting classifications of pathogenicity. Review status: criteria provided, conflicting classifications (1 of 4 stars). 2 submissions from 2 submitters: Likely pathogenic (1); Uncertain significance (1). Last evaluated 2022-05-04.

Conditions:
Micrognathia. Also called: Mandibular hypoplasia. Identifiers: MedGen C0025990, HP:0000347.

Submissions (2):

Mendelics
Classification: Uncertain significance. Last evaluated: 2022-05-04. Review status: criteria provided, single submitter. Criteria: Mendelics Assertion Criteria 2019. Collection method: clinical testing. Allele origin: germline.

Cytogénomique, Hospices Civils de Lyon
Classification: Likely pathogenic for Micrognathia. Last evaluated: 2016-06-27. Review status: criteria provided, single submitter. Criteria: ACMG Guidelines, 2015. Collection method: clinical testing. Allele origin: de novo. Inheritance: Sporadic. Affected: yes.
Comment: PS2, PM2, PP3, PP4